The following is an entry in ClinVar:

ClinVar aggregate classification (germline): Uncertain significance (1 of 4 stars; one submission).

Conditions:
Hyperkalemic periodic paralysis. Also called: Familial hyperkalemic periodic paralysis; Gamstorp disease. Identifiers: Orphanet 682, MedGen C0238357, MONDO:0008224, OMIM 170500, HP:0007215.

Submission:

Labcorp Genetics (formerly Invitae), Labcorp
Classification: Uncertain significance for Hyperkalemic periodic paralysis. Last evaluated: 2024-10-21. Review status: criteria provided, single submitter. Criteria: Invitae Variant Classification Sherloc (09022015). Collection method: clinical testing. Allele origin: germline.
Comment: This variant, c.2599_2616del, results in the deletion of 6 amino acid(s) of the SCN4A protein (p.Ala867_Glu872del), but otherwise preserves the integrity of the reading frame. This variant is present in population databases (no rsID available, gnomAD 0.005%). This variant has not been reported in the literature in individuals affected with SCN4A-related conditions. ClinVar contains an entry for this variant (Variation ID: 2062316). Experimental studies and prediction algorithms are not available or were not evaluated, and the functional significance of this variant is currently unknown. In summary, the available evidence is currently insufficient to determine the role of this variant in disease. Therefore, it has been classified as a Variant of Uncertain Significance.

NM_000334.4(SCN4A):c.2599_2616del (p.864AGE[1])

Genes: GH-LCR (growth hormone locus control region; plus strand), SCN4A (sodium voltage-gated channel alpha subunit 4; minus strand). Cytogenetic location: 17q23.3.
Variant type: Deletion.
Coding change: c.2599_2616del on transcript NM_000334.4 (MANE Select); coding-DNA positions 2599 to 2616, 18 bases deleted (GCTGGAGAGGCGGGGGAG).
Protein change: p.864AGE[1].
Molecular consequence: inframe deletion.
Genome position (GRCh38, 1-based): chr17:63,951,661-63,951,678, CTCCCCCGCCTCTCCAGC deleted on the plus strand (GCTGGAGAGGCGGGGGAG on the coding strand, the reverse complement: SCN4A is on the minus strand); deleting any 18 consecutive bases within chr17:63,951,661-63,951,684 gives the same sequence; the c. name uses the placement nearest the transcript's 3' end. VCF-style (leftmost placement, unchanged base first): chr17-63951660-TCTCCCCCGCCTCTCCAGC-T. GRCh37 (hg19) VCF-style: chr17-62029020-TCTCCCCCGCCTCTCCAGC-T.
Identifiers: ClinVar variation 2062316 (VCV002062316.4), dbSNP rs768289095, ClinGen allele CA627150335.